The following is an entry in ClinVar:

NM_000548.5(TSC2):c.5242_5282del41 (p.Lys1748fs)

Gene: TSC2 (TSC complex subunit 2; plus strand). Cytogenetic location: 16p13.3.
Variant type: Deletion.
Coding change: c.5242_5282del41 on transcript NM_000548.5 (MANE Select); coding-DNA positions 5242 to 5282, 41 bases deleted.
Protein change: p.Lys1748fs; shifts the reading frame from lysine 1748.
Molecular consequence: frameshift variant, splice acceptor variant, splice donor variant. On other transcripts: non-coding transcript variant (5).
Genome position: GRCh38: chr16:2,088,308-2,088,468. GRCh37 (hg19): chr16:2,138,309-2,138,469.
Other names: c.3697_3737del41, p.Lys1233fs (NM_001406697.1, NM_001406695.1, NM_001406696.1); c.3439_3479del41, p.Lys1147fs (NM_001406698.1); c.5113_5153del41, p.Lys1705fs (NM_021055.3); c.5041_5081del41, p.Lys1681fs (NM_001077183.3); c.5173_5213del41, p.Lys1725fs (NM_001114382.3); c.4933_4973del41, p.Lys1645fs (NM_001318827.2); c.4897_4937del41, p.Lys1633fs (NM_001318829.2); c.4510_4550del41, p.Lys1504fs (NM_001318831.2); and 27 more; short protein forms K1233fs, K1632fs, K1633fs, K1675fs, K1677fs, K1682fs, K1701fs, K1725fs.
Identifiers: ClinVar variation 2729561 (VCV002729561.3), ClinGen allele CA2697549443.

ClinVar aggregate classification (germline): Likely pathogenic (1 of 4 stars; one submission).

Conditions:
Tuberous sclerosis 2 (TSC2). Identifiers: Orphanet 805, MedGen C1860707, MONDO:0013199, OMIM 613254.

Submission:

Labcorp Genetics (formerly Invitae), Labcorp
Classification: Likely pathogenic for Tuberous sclerosis 2. Last evaluated: 2023-08-14. Review status: criteria provided, single submitter. Criteria: Invitae Variant Classification Sherloc (09022015). Collection method: clinical testing. Allele origin: germline.
Comment: In summary, the currently available evidence indicates that the variant is pathogenic, but additional data are needed to prove that conclusively. Therefore, this variant has been classified as Likely Pathogenic. Algorithms developed to predict the effect of sequence changes on RNA splicing suggest that this variant may disrupt the consensus splice site. This premature translational stop signal has been observed in individual(s) with tuberous sclerosis (Invitae). In at least one individual the variant was observed to be de novo. This variant is not present in population databases (gnomAD no frequency). This sequence change creates a premature translational stop signal (p.Lys1748Glnfs*13) in the TSC2 gene. While this is not anticipated to result in nonsense mediated decay, it is expected to disrupt the last 60 amino acid(s) of the TSC2 protein.